The following is an entry in ClinVar:

ClinVar aggregate classification (germline): Conflicting classifications of pathogenicity. Review status: criteria provided, conflicting classifications (1 of 4 stars). 8 submissions from 4 submitters: Uncertain significance (4); Benign (2); Likely benign (2). Last evaluated 2024-06-28.

Conditions:
Early-onset myopathy with fatal cardiomyopathy (CMYO5). Also called: Salih Myopathy; CONGENITAL MYOPATHY 5 WITH CARDIOMYOPATHY. Identifiers: Orphanet 289377, MedGen C2673677, MONDO:0012714, OMIM 611705. Disease mechanism: loss of function.
Tibial muscular dystrophy (TMD). Also called: Tibial muscular dystrophy, tardive; Udd Distal Myopathy – Tibial Muscular Dystrophy; UDD MYOPATHY. Identifiers: Orphanet 609, MedGen C1838244, MONDO:0010870, OMIM 600334.
Dilated cardiomyopathy 1G (CMD1G). Identifiers: Orphanet 154, MedGen C1858763, MONDO:0011400, OMIM 604145.
Autosomal recessive limb-girdle muscular dystrophy type 2J (LGMDR10). Also called: Limb-girdle muscular dystrophy, type 2J; MUSCULAR DYSTROPHY, LIMB-GIRDLE, AUTOSOMAL RECESSIVE 10. Identifiers: Orphanet 140922, MedGen C1837342, MONDO:0012127, OMIM 608807.
Myopathy, myofibrillar, 9, with early respiratory failure (MFM9). Also called: Hereditary myopathy with early respiratory failure; MYOPATHY, PROXIMAL, WITH EARLY RESPIRATORY MUSCLE INVOLVEMENT; Myopathy, distal, with early respiratory failure, autosomal dominant; EDSTROM MYOPATHY. Identifiers: Orphanet 178464, Orphanet 34521, MedGen C1863599, MONDO:0011362, OMIM 603689.

Allele frequency attached by ClinVar (database versions not stated): gnomAD 0.00003 and 0.00006; TOPMed 0.00003; gnomAD exomes 0.00008 and 0.00020; 1000 Genomes Project 30x 0.00016; ExAC 0.00017; 1000 Genomes Project 0.00020.
gnomAD v4.1: 132 of 1,613,894 alleles (0.0082%); highest among the groups gnomAD compares: South Asian, 0.11%; no homozygotes.

Submissions (8):

Blueprint Genetics
Classification: Likely benign. Last evaluated: 2024-06-28. Review status: criteria provided, single submitter. Criteria: ACMG Guidelines, 2015. Collection method: clinical testing. Allele origin: germline.

GeneDx
Classification: Likely benign. Last evaluated: 2019-09-27. Review status: criteria provided, single submitter. Criteria: GeneDx Variant Classification Process June 2021. Collection method: clinical testing. Allele origin: germline. Affected: yes.

Illumina Laboratory Services, Illumina
Classification: Benign for Tibial muscular dystrophy. Last evaluated: 2018-01-13. Review status: criteria provided, single submitter. Criteria: ICSL Variant Classification Criteria 13 December 2019. Collection method: clinical testing. Allele origin: germline.
Comment: This variant was observed in the ICSL laboratory as part of a predisposition screen in an ostensibly healthy population. It had not been previously curated by ICSL or reported in the Human Gene Mutation Database (HGMD: prior to June 1st, 2018), and was therefore a candidate for classification through an automated scoring system. Utilizing variant allele frequency, disease prevalence and penetrance estimates, and inheritance mode, an automated score was calculated to assess if this variant is too frequent to cause the disease. Based on the score and internal cut-off values, a variant classified as benign is not then subjected to further curation. The score for this variant resulted in a classification of benign for this disease.

Illumina Laboratory Services, Illumina
Classification: Uncertain significance for Autosomal recessive limb-girdle muscular dystrophy type 2J. Last evaluated: 2018-01-13. Review status: criteria provided, single submitter. Criteria: ICSL Variant Classification Criteria 13 December 2019. Collection method: clinical testing. Allele origin: germline.

Illumina Laboratory Services, Illumina
Classification: Uncertain significance for Early-onset myopathy with fatal cardiomyopathy. Last evaluated: 2018-01-13. Review status: criteria provided, single submitter. Criteria: ICSL Variant Classification Criteria 13 December 2019. Collection method: clinical testing. Allele origin: germline.

Illumina Laboratory Services, Illumina
Classification: Uncertain significance for Dilated cardiomyopathy 1G. Last evaluated: 2018-01-13. Review status: criteria provided, single submitter. Criteria: ICSL Variant Classification Criteria 13 December 2019. Collection method: clinical testing. Allele origin: germline.

Illumina Laboratory Services, Illumina
Classification: Benign for Myopathy, myofibrillar, 9, with early respiratory failure. Last evaluated: 2018-01-13. Review status: criteria provided, single submitter. Criteria: ICSL Variant Classification Criteria 13 December 2019. Collection method: clinical testing. Allele origin: germline.
Comment: the same text as in the submission from Illumina Laboratory Services, Illumina above.

Laboratory for Molecular Medicine, Mass General Brigham Personalized Medicine
Classification: Uncertain significance. Last evaluated: 2015-06-25. Review status: criteria provided, single submitter. Criteria: LMM Criteria. Collection method: clinical testing. Allele origin: germline. Observed: 1 variant allele.
Comment: Variant classified as Uncertain Significance - Favor Benign. The p.Arg32070His v ariant in TTN has not been previously reported in individuals with cardiomyopath y, but has been identified in 0.1% (18/16510) of South Asian chromosomes by the Exome Aggregation Consortium (ExAC; dbSNP rs3715 28685). One mammal (pika) carries a histidine (His) at this position, raising th e possibility that this change may be tolerated. Additional computational predic tion tools do not provide strong support for or against an impact to the protein . In summary, while the clinical significance of the p.Arg32070His variant is un certain, its frequency and lack of conservation suggests that it is more likely to be benign.

NM_001267550.2(TTN):c.103913G>A (p.Arg34638His)

Genes: TTN (titin; minus strand), TTN-AS1 (TTN antisense RNA 1; plus strand). Cytogenetic location: 2q31.2.
Variant type: single nucleotide variant.
Coding change: c.103913G>A on transcript NM_001267550.2 (MANE Select); coding-DNA position 103913, G replaced by A.
Protein change: p.Arg34638His; replaces arginine 34638 with histidine.
Molecular consequence: missense variant.
Genome position (GRCh38, 1-based): chr2:178,532,702, C>T on the plus strand (G>A on the coding strand, the complement: TTN is on the minus strand). VCF-style: chr2-178532702-C-T. GRCh37 (hg19) VCF-style: chr2-179397429-C-T.
Other names: c.98990G>A, p.Arg32997His (NM_001256850.1); c.96209G>A, p.Arg32070His (NM_133378.4); c.76718G>A, p.Arg25573His (NM_003319.4); c.77093G>A, p.Arg25698His (NM_133432.3); c.77294G>A, p.Arg25765His (NM_133437.4); short protein forms R32070H, R34638H, R32997H, R25573H, R25698H, R25765H.
Identifiers: ClinVar variation 229569 (VCV000229569.11), dbSNP rs371528685, ClinGen allele CA1985523.